The following is an entry in ClinVar:

ClinVar aggregate classification (germline): Conflicting classifications of pathogenicity. Review status: criteria provided, conflicting classifications (1 of 4 stars). 2 submissions from 2 submitters: Likely pathogenic (1); Uncertain significance (1). Last evaluated 2023-11-14.

Conditions:
SNORD118-related disorders.

Submissions (2):

Blueprint Genetics
Classification: Likely pathogenic for SNORD118-related disorders. Last evaluated: 2023-11-14. Review status: criteria provided, single submitter. Criteria: ACMG Guidelines, 2015. Collection method: clinical testing. Allele origin: germline. Affected: yes. Observed: 5 variant alleles.

Labcorp Genetics (formerly Invitae), Labcorp
Classification: Uncertain significance. Last evaluated: 2022-05-20. Review status: criteria provided, single submitter. Criteria: Invitae Variant Classification Sherloc (09022015). Collection method: clinical testing. Allele origin: germline.
Comment: This variant occurs in the SNORD118 gene, which encodes an RNA molecule that does not result in a protein product. This variant is present in population databases (rs749582557, gnomAD 0.008%). This variant has not been reported in the literature in individuals affected with SNORD118-related conditions. Experimental studies and prediction algorithms are not available or were not evaluated, and the functional significance of this variant is currently unknown. In summary, the available evidence is currently insufficient to determine the role of this variant in disease. Therefore, it has been classified as a Variant of Uncertain Significance.

NR_033294.2(SNORD118):n.57GAT[1]

Genes: SNORD118 (small nucleolar RNA, C/D box 118; minus strand), TMEM107 (transmembrane protein 107; minus strand). Cytogenetic location: 17p13.1.
Variant type: Microsatellite.
Molecular consequence: non-coding transcript variant (on NR_033294.2). On other transcripts: 3 prime UTR variant (5).
Genome position: GRCh38 VCF-style: chr17-8173526-AATC-A. GRCh37 (hg19) VCF-style: chr17-8076844-AATC-A.
Other names: c.*671GAT[1] (NM_001351278.2, NM_001351279.2, NM_001351280.2 and 2 more transcripts).
Identifiers: ClinVar variation 1956690 (VCV001956690.3), dbSNP rs749582557, ClinGen allele CA8370701.